The following is an entry in ClinVar:

ClinVar aggregate classification (germline): Uncertain significance (1 of 4 stars; one submission).

Allele frequency attached by ClinVar (database versions not stated): gnomAD exomes below 0.00001; TOPMed below 0.00001; gnomAD 0.00001.
gnomAD v4.1: 2 of 1,613,792 alleles (0.00012%); highest among the groups gnomAD compares: Non-Finnish European, 0.00017%; no homozygotes.

Submission:

Labcorp Genetics (formerly Invitae), Labcorp
Classification: Uncertain significance. Last evaluated: 2022-07-25. Review status: criteria provided, single submitter. Criteria: Invitae Variant Classification Sherloc (09022015). Collection method: clinical testing. Allele origin: germline.
Comment: This sequence change replaces asparagine, which is neutral and polar, with serine, which is neutral and polar, at codon 1092 of the DHX38 protein (p.Asn1092Ser). This variant is not present in population databases (gnomAD no frequency). This variant has not been reported in the literature in individuals affected with DHX38-related conditions. ClinVar contains an entry for this variant (Variation ID: 1377449). Algorithms developed to predict the effect of missense changes on protein structure and function (SIFT, PolyPhen-2, Align-GVGD) all suggest that this variant is likely to be disruptive. In summary, the available evidence is currently insufficient to determine the role of this variant in disease. Therefore, it has been classified as a Variant of Uncertain Significance.

NM_014003.4(DHX38):c.3275A>G (p.Asn1092Ser)

Gene: DHX38 (DEAH-box helicase 38; plus strand). Cytogenetic location: 16q22.2.
Variant type: single nucleotide variant.
Coding change: c.3275A>G on transcript NM_014003.4 (MANE Select); coding-DNA position 3275, A replaced by G.
Protein change: p.Asn1092Ser; replaces asparagine 1092 with serine.
Molecular consequence: missense variant.
Genome position (GRCh38, 1-based): chr16:72,108,819, A>G. VCF-style: chr16-72108819-A-G. GRCh37 (hg19) VCF-style: chr16-72142718-A-G.
Other names: short protein forms N1092S.
Identifiers: ClinVar variation 1377449 (VCV001377449.6), dbSNP rs1172986698, ClinGen allele CA396716578.